The following is an entry in ClinVar:

ClinVar aggregate classification (germline): Pathogenic (1 of 4 stars; one submission).

Submission:

ISCA site 17
Classification: Pathogenic. Last evaluated: 2011-08-12. Review status: criteria provided, single submitter. Criteria: Kaminsky et al. (Genet Med. 2011). Collection method: clinical testing. Allele origin: unknown. Affected: yes. Observed: 1 variant allele.
Comment: Copy number variation identified through the course of routine clinical cytogenomic testing in postnatal populations. Clinical assertions have been curated as described in Kaminsky et al. 2011.

GRCh38/hg38 Xp22.33-22.2(chrX:20140-10259836)x1

Genes: CNE7 (CNE7 enhancer downstream of SHOX; plus strand), CNE8 (CNE8 enhancer downstream of SHOX; plus strand), CNE9 (CNE9 enhancer downstream of SHOX; plus strand), CRLF2 (cytokine receptor like factor 2; minus strand), CSF2RA (colony stimulating factor 2 receptor subunit alpha; plus strand) and 146 more. Cytogenetic location: Xp22.33-22.2.
Variant type: copy number loss.
Change: copy number 1 of chrX:20,140-10,259,836 (10.24 Mb, GRCh38 coordinates, 1-based), cytogenetic band Xp22.33-22.2.
Identifiers: ClinVar variation 59183 (VCV000059183.1).